The following is an entry in ClinVar:

NM_005733.3(KIF20A):c.1610A>T (p.Lys537Ile)

Gene: KIF20A (kinesin family member 20A; plus strand). Cytogenetic location: 5q31.2.
Variant type: single nucleotide variant.
Coding change: c.1610A>T on transcript NM_005733.3 (MANE Select); coding-DNA position 1610, A replaced by T.
Protein change: p.Lys537Ile; replaces lysine 537 with isoleucine.
Molecular consequence: missense variant.
Genome position (GRCh38, 1-based): chr5:138,184,603, A>T. VCF-style: chr5-138184603-A-T. GRCh37 (hg19) VCF-style: chr5-137520292-A-T.
Other names: short protein forms K537I.
Identifiers: ClinVar variation 2089233 (VCV002089233.4), dbSNP rs2482185977, ClinGen allele CA361116767.

ClinVar aggregate classification (germline): Uncertain significance (1 of 4 stars; one submission).

Submission:

Labcorp Genetics (formerly Invitae), Labcorp
Classification: Uncertain significance. Last evaluated: 2025-03-31. Review status: criteria provided, single submitter. Criteria: Invitae Variant Classification Sherloc (09022015). Collection method: clinical testing. Allele origin: germline.
Comment: This sequence change replaces lysine, which is basic and polar, with isoleucine, which is neutral and non-polar, at codon 537 of the KIF20A protein (p.Lys537Ile). This variant is not present in population databases (gnomAD no frequency). This variant has not been reported in the literature in individuals affected with KIF20A-related conditions. ClinVar contains an entry for this variant (Variation ID: 2089233). An algorithm developed to predict the effect of missense changes on protein structure and function outputs the following: PolyPhen-2: "Benign". The isoleucine amino acid residue is found in multiple mammalian species, which suggests that this missense change does not adversely affect protein function. In summary, the available evidence is currently insufficient to determine the role of this variant in disease. Therefore, it has been classified as a Variant of Uncertain Significance.